The following is an entry in ClinVar:

ClinVar aggregate classification (germline): Likely benign (1 of 4 stars; one submission).

Submission:

CeGaT Center for Human Genetics Tuebingen
Classification: Likely benign. Last evaluated: 2025-07-01. Review status: criteria provided, single submitter. Criteria: CeGaT Center For Human Genetics Tuebingen Variant Classification Criteria Version 2. Collection method: clinical testing. Allele origin: germline. Affected: yes. Observed: 2 variant alleles.
Comment: MUC4: BP4, BP7

NM_018406.7(MUC4):c.11256A>G (p.Ser3752=)

Gene: MUC4 (mucin 4, cell surface associated). Cytogenetic location: 3q29.
Variant type: single nucleotide variant.
Coding change: c.11256A>G on transcript NM_018406.7 (MANE Select); coding-DNA position 11256, A replaced by G.
Protein change: p.Ser3752=; no amino-acid change (serine 3752 retained).
Molecular consequence: synonymous variant. On other transcripts: genic upstream transcript variant (2).
Genome position (GRCh38, 1-based): chr3:195,780,324, T>C on the plus strand (A>G on the coding strand, the complement: MUC4 is on the minus strand). VCF-style: chr3-195780324-T-C. GRCh37 (hg19) VCF-style: chr3-195507195-T-C.
Other names: c.16074A>G, p.Ser5358= (NM_001322468.1); c.83-6019A>G (NM_138297.5); c.83-1869A>G (NM_004532.6).
Identifiers: ClinVar variation 2672974 (VCV002672974.23), dbSNP rs1303181501, ClinGen allele CA438035453.
Genomic context (GRCh38, chr3:195,780,324, plus strand): 5'-ACCTGTGGACACTGAGGAAGCGTCGGTGACAAGAAGAGGGGTGGCGTGACCTGTGGATGC[T>C]GAGGAAGTGCTGGTGACAGGAAGAGGGGTGACGTGACCTGTGGATGCTGAGGAAGGGCTG-3'
Protein context (NP_060876.5, residues 3742-3762): VTPLPVTSTS[Ser3752=]ASTGHATPLL